The following is an entry in ClinVar:

NM_002645.4(PIK3C2A):c.1717G>A (p.Ala573Thr)

Gene: PIK3C2A (phosphatidylinositol-4-phosphate 3-kinase catalytic subunit type 2 alpha; minus strand). Cytogenetic location: 11p15.1.
Variant type: single nucleotide variant.
Coding change: c.1717G>A on transcript NM_002645.4 (MANE Select); coding-DNA position 1717, G replaced by A.
Protein change: p.Ala573Thr; replaces alanine 573 with threonine.
Molecular consequence: missense variant.
Genome position (GRCh38, 1-based): chr11:17,136,613, C>T on the plus strand (G>A on the coding strand, the complement: PIK3C2A is on the minus strand). VCF-style: chr11-17136613-C-T. GRCh37 (hg19) VCF-style: chr11-17158160-C-T.
Other names: c.1717G>A, p.Ala573Thr (NM_001321378.2, NM_001386870.1); c.577G>A, p.Ala193Thr (NM_001321380.2); c.1717G>A (NM_002645.2); short protein forms A193T, A573T.
Identifiers: ClinVar variation 2416218 (VCV002416218.7), dbSNP rs139987687, ClinGen allele CA5901269.

ClinVar aggregate classification (germline): Uncertain significance. Review status: criteria provided, multiple submitters, no conflicts (2 of 4 stars). 2 submissions from 2 submitters: Uncertain significance (2). Last evaluated 2025-11-24.

gnomAD v4.1: 7 of 1,572,290 alleles (0.00045%); highest among the groups gnomAD compares: Admixed American, 0.0074%; no homozygotes.

Submissions (2):

Ambry Genetics
Classification: Uncertain significance. Last evaluated: 2025-11-24. Review status: criteria provided, single submitter. Criteria: Ambry Variant Classification Scheme 2023. Collection method: clinical testing. Allele origin: germline.

Labcorp Genetics (formerly Invitae), Labcorp
Classification: Uncertain significance. Last evaluated: 2023-04-14. Review status: criteria provided, single submitter. Criteria: Invitae Variant Classification Sherloc (09022015). Collection method: clinical testing. Allele origin: germline.
Comment: This sequence change replaces alanine, which is neutral and non-polar, with threonine, which is neutral and polar, at codon 573 of the PIK3C2A protein (p.Ala573Thr). This variant is present in population databases (rs139987687, gnomAD 0.01%). This variant has not been reported in the literature in individuals affected with PIK3C2A-related conditions. ClinVar contains an entry for this variant (Variation ID: 2416218). Algorithms developed to predict the effect of missense changes on protein structure and function output the following: SIFT: "Not Available"; PolyPhen-2: "Benign"; Align-GVGD: "Not Available". The threonine amino acid residue is found in multiple mammalian species, which suggests that this missense change does not adversely affect protein function. In summary, the available evidence is currently insufficient to determine the role of this variant in disease. Therefore, it has been classified as a Variant of Uncertain Significance.